The following is an entry in ClinVar:

ClinVar aggregate classification (germline): Benign/Likely benign. Review status: criteria provided, multiple submitters, no conflicts (2 of 4 stars). 5 submissions from 5 submitters: Benign (1); Likely benign (3). 1 of the submissions does not count toward it. Last evaluated 2026-01-12.

Conditions:
FBN2-related disorder. Also called: FBN2-related condition.
Familial thoracic aortic aneurysm and aortic dissection (TAAD). Also called: Thoracic aortic aneurysms and dissections. Identifiers: Orphanet 91387, MedGen C4707243, MONDO:0019625.
Congenital contractural arachnodactyly (CCA). Also called: Beals-Hecht syndrome; BEALS SYNDROME; Arthrogryposis, distal, type 9. Identifiers: Orphanet 115, MedGen C0220668, MONDO:0007363, OMIM 121050.

Allele frequency attached by ClinVar (database versions not stated): gnomAD 0.00007 and 0.00008; gnomAD exomes 0.00007 and 0.00014; TOPMed 0.00007; ExAC 0.00012; ESP Exome Variant Server 0.00023.
gnomAD v4.1: 115 of 1,614,010 alleles (0.0071%); highest among the groups gnomAD compares: Non-Finnish European, 0.0029%; no homozygotes.

Submissions (5):

Labcorp Genetics (formerly Invitae), Labcorp
Classification: Likely benign for Congenital contractural arachnodactyly. Last evaluated: 2026-01-12. Review status: criteria provided, single submitter. Criteria: Invitae Variant Classification Sherloc (09022015). Collection method: clinical testing. Allele origin: germline.

Women's Health and Genetics/Laboratory Corporation of America, LabCorp
Classification: Benign. Last evaluated: 2024-06-09. Review status: criteria provided, single submitter. Criteria: LabCorp Variant Classification Summary - May 2015. Collection method: clinical testing. Allele origin: germline.

GeneDx
Classification: Likely benign. Last evaluated: 2020-12-02. Review status: criteria provided, single submitter. Criteria: GeneDx Variant Classification Process June 2021. Collection method: clinical testing. Allele origin: germline. Affected: yes.

Ambry Genetics
Classification: Likely benign for Familial thoracic aortic aneurysm and aortic dissection. Last evaluated: 2016-09-21. Review status: criteria provided, single submitter. Criteria: Ambry Variant Classification Scheme 2023. Collection method: clinical testing. Allele origin: germline.

PreventionGenetics, part of Exact Sciences
Classification: Likely benign for FBN2-related condition. Last evaluated: 2022-02-22. Review status: no assertion criteria provided. Collection method: clinical testing. Allele origin: germline. Not counted in ClinVar's aggregate classification.
Comment: This variant is classified as likely benign based on ACMG/AMP sequence variant interpretation guidelines (Richards et al. 2015 PMID: 25741868, with internal and published modifications).

NM_001999.4(FBN2):c.8124C>T (p.Tyr2708=)

Gene: FBN2 (fibrillin 2; minus strand). Cytogenetic location: 5q23.3.
Variant type: single nucleotide variant.
Coding change: c.8124C>T on transcript NM_001999.4 (MANE Select); coding-DNA position 8124, C replaced by T.
Protein change: p.Tyr2708=; no amino-acid change (tyrosine 2708 retained).
Molecular consequence: synonymous variant.
Genome position (GRCh38, 1-based): chr5:128,263,493, G>A on the plus strand (C>T on the coding strand, the complement: FBN2 is on the minus strand). VCF-style: chr5-128263493-G-A. GRCh37 (hg19) VCF-style: chr5-127599185-G-A.
Identifiers: ClinVar variation 239093 (VCV000239093.21), dbSNP rs201634501, ClinGen allele CA3393923.